The following is an entry in ClinVar:

ClinVar aggregate classification (germline): Uncertain significance (1 of 4 stars; one submission).

Conditions:
Hereditary cancer-predisposing syndrome. Also called: Neoplastic Syndromes, Hereditary; Tumor predisposition; Hereditary neoplastic syndrome; Hereditary Cancer Syndrome. Identifiers: Orphanet 140162, MedGen C0027672, MeSH D009386, MONDO:0015356.

Submission:

Ambry Genetics
Classification: Uncertain significance for Hereditary cancer-predisposing syndrome. Last evaluated: 2026-07-18. Review status: criteria provided, single submitter. Criteria: Ambry Variant Classification Scheme 2023. Collection method: clinical testing. Allele origin: germline.
Comment: The p.K104Q variant (also known as c.310A>C), located in coding exon 1 of the MET gene, results from an A to C substitution at nucleotide position 310. The lysine at codon 104 is replaced by glutamine, an amino acid with similar properties. This amino acid position is conserved. In addition, this alteration is predicted to be tolerated by in silico analysis. Based on the available evidence, the clinical significance of this variant remains unclear.

NM_000245.4(MET):c.310A>C (p.Lys104Gln)

Gene: MET (MET proto-oncogene, receptor tyrosine kinase; plus strand). Cytogenetic location: 7q31.2.
Variant type: single nucleotide variant.
Coding change: c.310A>C on transcript NM_000245.4 (MANE Select); coding-DNA position 310, A replaced by C.
Protein change: p.Lys104Gln; replaces lysine 104 with glutamine.
Molecular consequence: missense variant. On other transcripts: intron variant (1).
Genome position (GRCh38, 1-based): chr7:116,699,394, A>C. VCF-style: chr7-116699394-A-C. GRCh37 (hg19) VCF-style: chr7-116339448-A-C.
Other names: c.310A>C, p.Lys104Gln (NM_001127500.3, NM_001324401.3); c.-91+26817A>C (NM_001324402.2); short protein forms K104Q.
Identifiers: ClinVar variation 5024405 (VCV005024405.1).